The following is an entry in ClinVar:

ClinVar aggregate classification (germline): Likely pathogenic. Review status: criteria provided, single submitter (1 of 4 stars). 2 submissions from 2 submitters: Likely pathogenic (1). 1 of the submissions does not count toward it. Last evaluated 2025-03-01.

Conditions:
Pyruvate dehydrogenase E1-alpha deficiency (PDHAD). Also called: ATAXIA, INTERMITTENT, WITH PYRUVATE DEHYDROGENASE DEFICIENCY; ATAXIA WITH LACTIC ACIDOSIS I; ATAXIA, INTERMITTENT, WITH ABNORMAL PYRUVATE METABOLISM; Ataxia, intermittent, with pyruvate dehydrogenase, or decarboxylase, deficiency. Identifiers: Orphanet 79243, MedGen C1839413, MONDO:0010717, OMIM 312170.

Submissions (2):

CeGaT Center for Human Genetics Tuebingen
Classification: Likely pathogenic. Last evaluated: 2025-03-01. Review status: criteria provided, single submitter. Criteria: CeGaT Center For Human Genetics Tuebingen Variant Classification Criteria Version 2. Collection method: clinical testing. Allele origin: germline. Affected: yes. Observed: 1 variant allele.
Comment: PDHA1: PM2, PM4, PP4, PS4:Supporting

PDHA1 Study Group, University Children’s Hospital, Paracelsus Medical University
Classification: Likely pathogenic for Pyruvate dehydrogenase E1-alpha deficiency. Last evaluated: 2024-10-15. Review status: no assertion criteria provided. Collection method: research. Allele origin: inherited. Affected: yes. Observed: 1 variant allele. Not counted in ClinVar's aggregate classification.
Comment: The NM_000284.3:c.1083_1124dup (p.Leu361_Pro374dup) change is a deletion-insertion (delins) variant in PDHA1 gene. Among them, 1 were confirmed inherited. The variant has been reported in 1 published case (PMIDs: 10679936). Last literature search: July 12, 2024. This variant is absent or extremely rare in population-based cohorts in the Genome Aggregation Database (gnomAD). Individuals harboring this variant presented with clinical features compatible with PDHA1-related PDHc deficiency. In summary, this variant meets criteria to be classified as likely pathogenic (LP) for PDHA1-related PDHc deficiency based on the ACMG/AMP criteria applied: PM1, PM2, PM4 (last assessment October 15, 2024).

Literature cited by the submitters: PubMed 10679936 (cited by PDHA1 Study Group, University Children’s Hospital, Paracelsus Medical University); DOI 10.1093/brain/awaf430 (cited by PDHA1 Study Group, University Children’s Hospital, Paracelsus Medical University).

NM_000284.4(PDHA1):c.1083_1124dup (p.Pro374_Phe375insLeuGluGluLeuGlyTyrHisIleTyrSerSerAspProPro)

Gene: PDHA1 (pyruvate dehydrogenase E1 subunit alpha 1; plus strand). Cytogenetic location: Xp22.12.
Variant type: Duplication.
Coding change: c.1083_1124dup on transcript NM_000284.4 (MANE Select); coding-DNA positions 1083 to 1124, 42 bases duplicated.
Protein change: p.Pro374_Phe375insLeuGluGluLeuGlyTyrHisIleTyrSerSerAspProPro.
Genome position (GRCh38, 1-based): chrX:19,359,563-19,359,604, 42 bases duplicated; duplicating any 42 consecutive bases within chrX:19,359,555-19,359,604 gives the same sequence; the c. name uses the placement nearest the transcript's 3' end. GRCh37 (hg19): chrX:19,377,681-19,377,722.
Other names: c.1083_1124dup (NM_000284.3); c.1197_1238dup, p.Pro412_Phe413insLeuGluGluLeuGlyTyrHisIleTyrSerSerAspProPro (NM_001173454.2); c.1104_1145dup, p.Pro381_Phe382insLeuGluGluLeuGlyTyrHisIleTyrSerSerAspProPro (NM_001173455.2); c.990_1031dup, p.Pro343_Phe344insLeuGluGluLeuGlyTyrHisIleTyrSerSerAspProPro (NM_001173456.2).
Identifiers: ClinVar variation 3778516 (VCV003778516.7).
Genomic context (GRCh38, chrX:19,359,554, plus strand): 5'-TGATGTGGAAGTGAGGAAGGAGATTGAGGATGCTGCCCAGTTTGCCACGGCCGATCCTGA[G>GCCACCTTTGGAAGAGCTGGGCTACCACATCTACTCCAGCGAC]CCACCTTTGGAAGAGCTGGGCTACCACATCTACTCCAGCGACCCACCTTTTGAAGTTCGT-3'